The following is an entry in ClinVar:

ClinVar aggregate classification (germline): Likely benign (1 of 4 stars; one submission).

Conditions:
Pulmonary venoocclusive disease 1 (PVOD1). Also called: Pulmonary venoocclusive disease 1, autosomal dominant. Identifiers: Orphanet 31837, MedGen C3887658, MONDO:0020713, OMIM 265450.

Submission:

Centre for Medical Genetics,  Mumbai
Classification: Likely benign for Pulmonary venoocclusive disease 1. Last evaluated: 2026-03-09. Review status: criteria provided, single submitter. Criteria: ACMG Guidelines, 2015. Collection method: provider interpretation. Allele origin: germline. Inheritance: Autosomal dominant inheritance. Affected: no. Observed: 1 variant allele, 1 heterozygote.
Comment: The variant satisfies PM2 criteria; Extremely low frequency in gnomAD population databases. However, the variant satisfies BS2 criteria.

Literature cited by the submitters: PubMed 12446270.

NM_001204.7(BMPR2):c.1691A>G (p.Lys564Arg)

Gene: BMPR2 (bone morphogenetic protein receptor type 2; plus strand). Cytogenetic location: 2q33.2.
Variant type: single nucleotide variant.
Coding change: c.1691A>G on transcript NM_001204.7 (MANE Select); coding-DNA position 1691, A replaced by G.
Protein change: p.Lys564Arg; replaces lysine 564 with arginine.
Molecular consequence: missense variant.
Genome position (GRCh38, 1-based): chr2:202,555,356, A>G. VCF-style: chr2-202555356-A-G. GRCh37 (hg19) VCF-style: chr2-203420079-A-G.
Other names: short protein forms K564R.
Identifiers: ClinVar variation 4819414 (VCV004819414.1).